The following is an entry in ClinVar:

ClinVar aggregate classification (germline): Uncertain significance. Review status: criteria provided, multiple submitters, no conflicts (2 of 4 stars). 2 submissions from 2 submitters: Uncertain significance (2). Last evaluated 2024-06-22.

Conditions:
Arthrogryposis multiplex congenita 6. Identifiers: MedGen C5543431, MONDO:0030281, OMIM 619334.
Nemaline myopathy 2 (NEM2). Also called: Nemaline myopathy 2, autosomal recessive. Identifiers: MedGen C1850569, MONDO:0009725, OMIM 256030.

Allele frequency attached by ClinVar (database versions not stated): gnomAD exomes 0.00001 and 0.00002; ExAC 0.00003; gnomAD 0.00004 and 0.00006; TOPMed 0.00005; 1000 Genomes Project 0.00060; 1000 Genomes Project 30x 0.00062.
gnomAD v4.1: 24 of 1,613,912 alleles (0.0015%); highest among the groups gnomAD compares: African/African-American, 0.023%; no homozygotes.

Submissions (2):

Labcorp Genetics (formerly Invitae), Labcorp
Classification: Uncertain significance for Nemaline myopathy 2. Last evaluated: 2024-06-22. Review status: criteria provided, single submitter. Criteria: Invitae Variant Classification Sherloc (09022015). Collection method: clinical testing. Allele origin: germline.
Comment: This sequence change replaces leucine, which is neutral and non-polar, with serine, which is neutral and polar, at codon 2861 of the NEB protein (p.Leu2861Ser). This variant is present in population databases (rs529735446, gnomAD 0.03%). This variant has not been reported in the literature in individuals affected with NEB-related conditions. ClinVar contains an entry for this variant (Variation ID: 1510844). Experimental studies and prediction algorithms are not available or were not evaluated, and the functional significance of this variant is currently unknown. In summary, the available evidence is currently insufficient to determine the role of this variant in disease. Therefore, it has been classified as a Variant of Uncertain Significance.

Fulgent Genetics
Classification: Uncertain significance for Nemaline myopathy 2; Arthrogryposis multiplex congenita 6. Last evaluated: 2024-04-17. Review status: criteria provided, single submitter. Criteria: ACMG Guidelines, 2015. Collection method: clinical testing. Allele origin: germline.

NM_001164508.2(NEB):c.8582T>C (p.Leu2861Ser)

Gene: NEB (nebulin; minus strand). Cytogenetic location: 2q23.3.
Variant type: single nucleotide variant.
Coding change: c.8582T>C on transcript NM_001164508.2 (MANE Select); coding-DNA position 8582, T replaced by C.
Protein change: p.Leu2861Ser; replaces leucine 2861 with serine.
Molecular consequence: missense variant.
Genome position (GRCh38, 1-based): chr2:151,640,458, A>G on the plus strand (T>C on the coding strand, the complement: NEB is on the minus strand). VCF-style: chr2-151640458-A-G. GRCh37 (hg19) VCF-style: chr2-152496972-A-G.
Other names: c.8582T>C, p.Leu2861Ser (NM_001164507.2, NM_001271208.2, NM_004543.5); short protein forms L2861S.
Identifiers: ClinVar variation 1510844 (VCV001510844.5), dbSNP rs529735446, ClinGen allele CA1909556.